The following is an entry in ClinVar:

ClinVar aggregate classification (germline): Pathogenic. Review status: criteria provided, multiple submitters, no conflicts (2 of 4 stars). 2 submissions from 2 submitters: Pathogenic (2). Last evaluated 2023-05-12.

Conditions:
Familial adenomatous polyposis 1 (FAP1). Also called: FAMILIAL ADENOMATOUS POLYPOSIS 1, ATTENUATED; POLYPOSIS, ADENOMATOUS INTESTINAL. Identifiers: MedGen C2713442, MONDO:0021056, OMIM 175100. Disease mechanism: loss of function.

Submissions (2):

Myriad Genetics, Inc.
Classification: Pathogenic for Familial adenomatous polyposis 1. Last evaluated: 2023-05-12. Review status: criteria provided, single submitter. Criteria: Myriad Autosomal Dominant, Autosomal Recessive and X-Linked Classification Criteria (2023). Collection method: clinical testing. Allele origin: unknown.
Comment: This variant is considered pathogenic. This variant creates a termination codon and is predicted to result in premature protein truncation.

Labcorp Genetics (formerly Invitae), Labcorp
Classification: Pathogenic for Familial adenomatous polyposis 1. Last evaluated: 2022-02-07. Review status: criteria provided, single submitter. Criteria: Invitae Variant Classification Sherloc (09022015). Collection method: clinical testing. Allele origin: germline.
Comment: This variant is expected to disrupt the EB1 and HDLG binding sites, which mediate interactions with the cytoskeleton (PMID: 15311282, 17293347). While functional studies have not been performed to directly test the effect on APC protein function, this suggests that disruption of the C-terminal portion of the protein is functionally important. For these reasons, this variant has been classified as Pathogenic. A different truncation (p.Tyr2645Lysfs*14) that lies downstream of this variant has been determined to be pathogenic (PMID: 9824584, 1316610, 27081525, 8381579, 22135120, Invitae). This suggests that deletion of this region of the APC protein is causative of disease. This variant has not been reported in the literature in individuals affected with APC-related conditions. This variant is not present in population databases (gnomAD no frequency). This sequence change creates a premature translational stop signal (p.Gln1627*) in the APC gene. While this is not anticipated to result in nonsense mediated decay, it is expected to disrupt the last 1217 amino acid(s) of the APC protein.

Literature cited by the submitters: PubMed 15311282 (cited by Labcorp Genetics (formerly Invitae), Labcorp); PubMed 17293347 (cited by Labcorp Genetics (formerly Invitae), Labcorp); PubMed 9824584 (cited by Labcorp Genetics (formerly Invitae), Labcorp); PubMed 1316610 (cited by Labcorp Genetics (formerly Invitae), Labcorp); PubMed 27081525 (cited by Labcorp Genetics (formerly Invitae), Labcorp); PubMed 8381579 (cited by Labcorp Genetics (formerly Invitae), Labcorp); PubMed 22135120 (cited by Labcorp Genetics (formerly Invitae), Labcorp).

NM_000038.6(APC):c.4879C>T (p.Gln1627Ter)

Gene: APC (APC regulator of Wnt signaling pathway; plus strand). Cytogenetic location: 5q22.2.
Variant type: single nucleotide variant.
Coding change: c.4879C>T on transcript NM_000038.6 (MANE Select); coding-DNA position 4879, C replaced by T.
Protein change: p.Gln1627Ter; replaces glutamine 1627 with a stop codon.
Molecular consequence: nonsense.
Genome position (GRCh38, 1-based): chr5:112,840,473, C>T. VCF-style: chr5-112840473-C-T. GRCh37 (hg19) VCF-style: chr5-112176170-C-T.
Other names: c.4879C>T, p.Gln1627Ter (NM_001127510.3, NM_001354895.2, NM_001407450.1); c.4825C>T, p.Gln1609Ter (NM_001127511.3); c.4933C>T, p.Gln1645Ter (NM_001354896.2, NM_001407447.1, NM_001407448.1 and 1 more transcripts); c.4909C>T, p.Gln1637Ter (NM_001354897.2); c.4804C>T, p.Gln1602Ter (NM_001354898.2); c.4795C>T, p.Gln1599Ter (NM_001354899.2); c.4756C>T, p.Gln1586Ter (NM_001354900.2); c.4702C>T, p.Gln1568Ter (NM_001354901.2, NM_001407453.1); and 11 more; short protein forms Q1498*, Q1501*, Q1536*, Q1599*, Q1602*, Q1609*, Q1344*, Q1526*.
Identifiers: ClinVar variation 2094404 (VCV002094404.6), dbSNP rs1554086263, ClinGen allele CA16032022.
Genomic context (GRCh38, chr5:112,840,473, plus strand): 5'-AGGAAACCAAGTCAGCTGCCTGTGTACAAACTTCTACCATCACAAAACAGGTTGCAACCC[C>T]AAAAGCATGTTAGTTTTACACCGGGGGATGATATGCCACGGGTGTATTGTGTTGAAGGGA-3'